The following is an entry in ClinVar:

ClinVar aggregate classification (germline): Likely benign. Review status: reviewed by expert panel (3 of 4 stars). 2 submissions from 2 submitters: Likely benign (1). 1 of the submissions does not count toward it. Last evaluated 2024-06-24.

Conditions:
Hereditary thrombocytopenia and hematologic cancer predisposition syndrome. Identifiers: Orphanet 71290, MedGen CN281654, MONDO:0011071.
Hereditary thrombocytopenia and hematological cancer predisposition syndrome associated with RUNX1. Also called: RUNX1 Familial Platelet Disorder with Associated Myeloid Malignancies; Familial Platelet Disorder with Propensity to Acute Myelogenous Leukemia; Familial thrombocytopenia with propensity to acute myelogenous leukemia; PLATELET DISORDER, ASPIRIN-LIKE. Identifiers: Orphanet 71290, MedGen C1832388, MeSH C563324, MONDO:0100083, OMIM 601399.

Allele frequency attached by ClinVar (database versions not stated): gnomAD 0.00001; TOPMed 0.00001.
gnomAD v4.1: 1 of 1,611,030 alleles (0.000062%); highest among the groups gnomAD compares: African/African-American, 0.0013%; no homozygotes.

Submissions (2):

ClinGen Myeloid Malignancy Variant Curation Expert Panel
Classification: Likely benign for Hereditary thrombocytopenia and hematologic cancer predisposition syndrome. Last evaluated: 2024-06-24. Review status: reviewed by expert panel. Criteria: ClinGen MyeloMalig ACMG Specifications v2. Collection method: curation. Allele origin: germline. Inheritance: Autosomal dominant inheritance.
Comment: NM_001754.5(RUNX1):c.805+14G>A is an upstream variant of RUNX1. SpliceAI showed a very low chance that the variant affects splicing (SpliceAI ∆ scores < 0.02) (BP4). The 100 Vertebrates Basewise Conservation score for the position of this variant was 0.11, indicating that this position is not highly conserved (phyloP score <2.0) (BP7). In summary, the clinical significance of this variant is likely benign. ACMG/AMP criteria applied, as specified by the Myeloid Malignancy Variant Curation Expert Panel for RUNX1: BP4, BP7.

Labcorp Genetics (formerly Invitae), Labcorp
Classification: Likely benign for Hereditary thrombocytopenia and hematological cancer predisposition syndrome associated with RUNX1. Last evaluated: 2023-04-22. Review status: criteria provided, single submitter. Criteria: Invitae Variant Classification Sherloc (09022015). Collection method: clinical testing. Allele origin: germline. Not counted in ClinVar's aggregate classification.

NM_001754.5(RUNX1):c.805+14G>A

Gene: RUNX1 (RUNX family transcription factor 1; minus strand). Cytogenetic location: 21q22.12.
Variant type: single nucleotide variant.
Coding change: c.805+14G>A on transcript NM_001754.5 (MANE Select); 14 bases into the intron after coding-DNA position 805, G replaced by A.
Molecular consequence: intron variant.
Genome position (GRCh38, 1-based): chr21:34,834,396, C>T on the plus strand (G>A on the coding strand, the complement: RUNX1 is on the minus strand). VCF-style: chr21-34834396-C-T. GRCh37 (hg19) VCF-style: chr21-36206693-C-T.
Other names: c.724+14G>A (NM_001001890.3, NM_001122607.2).
Identifiers: ClinVar variation 1589048 (VCV001589048.9), dbSNP rs2057110599, ClinGen allele CA1022028089.